The following is an entry in ClinVar:

NM_030665.4(RAI1):c.2217C>T (p.Asp739=)

Gene: RAI1 (retinoic acid induced 1; plus strand). Cytogenetic location: 17p11.2.
Variant type: single nucleotide variant.
Coding change: c.2217C>T on transcript NM_030665.4 (MANE Select); coding-DNA position 2217, C replaced by T.
Protein change: p.Asp739=; no amino-acid change (aspartic acid 739 retained).
Molecular consequence: synonymous variant.
Genome position (GRCh38, 1-based): chr17:17,795,165, C>T. VCF-style: chr17-17795165-C-T. GRCh37 (hg19) VCF-style: chr17-17698479-C-T.
Other names: c.2217C>T (NM_030665.3).
Identifiers: ClinVar variation 2864107 (VCV002864107.4), dbSNP rs770191414, ClinGen allele CA8418492.

ClinVar aggregate classification (germline): Likely benign. Review status: criteria provided, single submitter (1 of 4 stars). 2 submissions from 2 submitters: Likely benign (1). 1 of the submissions does not count toward it. Last evaluated 2023-05-13.

Conditions:
RAI1-related disorder. Also called: RAI1-related condition.

Allele frequency attached by ClinVar (database versions not stated): ExAC 0.00001.
gnomAD v4.1: 1 of 1,614,046 alleles (0.000062%); highest among the groups gnomAD compares: East Asian, 0.0022%; no homozygotes.

Submissions (2):

Labcorp Genetics (formerly Invitae), Labcorp
Classification: Likely benign. Last evaluated: 2023-05-13. Review status: criteria provided, single submitter. Criteria: Invitae Variant Classification Sherloc (09022015). Collection method: clinical testing. Allele origin: germline.

PreventionGenetics, part of Exact Sciences
Classification: Likely benign for RAI1-related condition. Last evaluated: 2022-11-02. Review status: no assertion criteria provided. Collection method: clinical testing. Allele origin: germline. Not counted in ClinVar's aggregate classification.
Comment: This variant is classified as likely benign based on ACMG/AMP sequence variant interpretation guidelines (Richards et al. 2015 PMID: 25741868, with internal and published modifications).